The following is an entry in ClinVar:

NM_022552.5(DNMT3A):c.467C>A (p.Thr156Asn)

Genes: DNMT3A (DNA methyltransferase 3 alpha; minus strand), LOC129933290 (ATAC-STARR-seq lymphoblastoid active region 15445; plus strand). Cytogenetic location: 2p23.3.
Variant type: single nucleotide variant.
Coding change: c.467C>A on transcript NM_022552.5 (MANE Select); coding-DNA position 467, C replaced by A.
Protein change: p.Thr156Asn; replaces threonine 156 with asparagine.
Molecular consequence: missense variant. On other transcripts: non-coding transcript variant (1).
Genome position (GRCh38, 1-based): chr2:25,275,525, G>T on the plus strand (C>A on the coding strand, the complement: DNMT3A is on the minus strand). VCF-style: chr2-25275525-G-T. GRCh37 (hg19) VCF-style: chr2-25498394-G-T.
Other names: c.467C>A, p.Thr156Asn (NM_175629.2); short protein forms T156N.
Identifiers: ClinVar variation 4709747 (VCV004709747.1).

ClinVar aggregate classification (germline): Uncertain significance (1 of 4 stars; one submission).

Conditions:
Tatton-Brown-Rahman overgrowth syndrome. Also called: Tall stature-intellectual disability-facial dysmorphism syndrome; Tatton-Brown-Rahman syndrome. Identifiers: Orphanet 404443, MedGen C4014545, MONDO:0014382, OMIM 615879.

Submission:

Labcorp Genetics (formerly Invitae), Labcorp
Classification: Uncertain significance for Tatton-Brown-Rahman overgrowth syndrome. Last evaluated: 2025-11-17. Review status: criteria provided, single submitter. Criteria: Invitae Variant Classification Sherloc (09022015). Collection method: clinical testing. Allele origin: germline.
Comment: This sequence change replaces threonine, which is neutral and polar, with asparagine, which is neutral and polar, at codon 156 of the DNMT3A protein (p.Thr156Asn). This variant is not present in population databases (gnomAD no frequency). This variant has not been reported in the literature in individuals affected with DNMT3A-related conditions. Invitae Evidence Modeling of protein sequence and biophysical properties (such as structural, functional, and spatial information, amino acid conservation, physicochemical variation, residue mobility, and thermodynamic stability) indicates that this missense variant is not expected to disrupt DNMT3A protein function with a negative predictive value of 95%. In summary, the available evidence is currently insufficient to determine the role of this variant in disease. Therefore, it has been classified as a Variant of Uncertain Significance.